The following is an entry in ClinVar:

NM_015662.3(IFT172):c.3030C>A (p.His1010Gln)

Gene: IFT172 (intraflagellar transport 172; minus strand). Cytogenetic location: 2p23.3.
Variant type: single nucleotide variant.
Coding change: c.3030C>A on transcript NM_015662.3 (MANE Select); coding-DNA position 3030, C replaced by A.
Protein change: p.His1010Gln; replaces histidine 1010 with glutamine.
Molecular consequence: missense variant.
Genome position (GRCh38, 1-based): chr2:27,457,922, G>T on the plus strand (C>A on the coding strand, the complement: IFT172 is on the minus strand). VCF-style: chr2-27457922-G-T. GRCh37 (hg19) VCF-style: chr2-27680789-G-T.
Other names: c.3030C>A (NM_015662.1, NM_015662.2); short protein forms H1010Q.
Identifiers: ClinVar variation 1496822 (VCV001496822.13), dbSNP rs201607202, ClinGen allele CA1580099.

ClinVar aggregate classification (germline): Uncertain significance. Review status: criteria provided, multiple submitters, no conflicts (2 of 4 stars). 5 submissions from 5 submitters: Uncertain significance (4). 1 of the submissions does not count toward it. Last evaluated 2025-06-30.

Conditions:
Inborn genetic diseases. Identifiers: MedGen C0950123, MeSH D030342.
Retinitis pigmentosa 71 (RP71). Identifiers: Orphanet 791, MedGen C4225342, MONDO:0014618, OMIM 616394.
Short-rib thoracic dysplasia 10 with or without polydactyly (SRTD10). Identifiers: Orphanet 474, MedGen C3810175, MONDO:0014284, OMIM 615630.
Bardet-Biedl syndrome 20. Identifiers: MedGen C4310707, MONDO:0023670, OMIM 619471, MONDO:0014926.
IFT172-related disorder. Also called: IFT172-related disorders; IFT172-related condition.

Allele frequency attached by ClinVar (database versions not stated): TOPMed 0.00002; gnomAD 0.00003.
gnomAD v4.1: 32 of 1,614,076 alleles (0.002%); highest among the groups gnomAD compares: Non-Finnish European, 0.0027%; no homozygotes.

Submissions (5):

Labcorp Genetics (formerly Invitae), Labcorp
Classification: Uncertain significance for Retinitis pigmentosa 71; Short-rib thoracic dysplasia 10 with or without polydactyly. Last evaluated: 2025-06-30. Review status: criteria provided, single submitter. Criteria: Invitae Variant Classification Sherloc (09022015). Collection method: clinical testing. Allele origin: germline.
Comment: This sequence change replaces histidine, which is basic and polar, with glutamine, which is neutral and polar, at codon 1010 of the IFT172 protein (p.His1010Gln). This variant is present in population databases (rs201607202, gnomAD 0.006%). This variant has not been reported in the literature in individuals affected with IFT172-related conditions. ClinVar contains an entry for this variant (Variation ID: 1496822). Invitae Evidence Modeling of protein sequence and biophysical properties (such as structural, functional, and spatial information, amino acid conservation, physicochemical variation, residue mobility, and thermodynamic stability) indicates that this missense variant is not expected to disrupt IFT172 protein function with a negative predictive value of 95%. In summary, the available evidence is currently insufficient to determine the role of this variant in disease. Therefore, it has been classified as a Variant of Uncertain Significance.

Ambry Genetics
Classification: Uncertain significance for Inborn genetic diseases. Last evaluated: 2025-06-24. Review status: criteria provided, single submitter. Criteria: Ambry Variant Classification Scheme 2023. Collection method: clinical testing. Allele origin: germline.

Blueprint Genetics
Classification: Uncertain significance. Last evaluated: 2024-01-10. Review status: criteria provided, single submitter. Criteria: ACMG Guidelines, 2015. Collection method: clinical testing. Allele origin: germline.

Fulgent Genetics
Classification: Uncertain significance for Short-rib thoracic dysplasia 10 with or without polydactyly; Retinitis pigmentosa 71; Bardet-Biedl syndrome 20. Last evaluated: 2021-11-30. Review status: criteria provided, single submitter. Criteria: ACMG Guidelines, 2015. Collection method: clinical testing. Allele origin: unknown.

PreventionGenetics, part of Exact Sciences
Classification: Uncertain significance for IFT172-related condition. Last evaluated: 2024-01-02. Review status: no assertion criteria provided. Collection method: clinical testing. Allele origin: germline. Not counted in ClinVar's aggregate classification.
Comment: The IFT172 c.3030C>A variant is predicted to result in the amino acid substitution p.His1010Gln. To our knowledge, this variant has not been reported in the literature. This variant is reported in 0.0070% of alleles in individuals of European (Non-Finnish) descent in gnomAD. At this time, the clinical significance of this variant is uncertain due to the absence of conclusive functional and genetic evidence.